The following is an entry in ClinVar:

NM_016222.4(DDX41):c.1230+3G>T

Gene: DDX41 (DEAD-box helicase 41; minus strand). Cytogenetic location: 5q35.3.
Variant type: single nucleotide variant.
Coding change: c.1230+3G>T on transcript NM_016222.4 (MANE Select); 3 bases into the intron after coding-DNA position 1230, G replaced by T.
Molecular consequence: intron variant.
Genome position (GRCh38, 1-based): chr5:177,513,350, C>A on the plus strand (G>T on the coding strand, the complement: DDX41 is on the minus strand). VCF-style: chr5-177513350-C-A. GRCh37 (hg19) VCF-style: chr5-176940351-C-A.
Other names: c.852+3G>T (NM_001321830.2, NM_001321732.2).
Identifiers: ClinVar variation 3356129 (VCV003356129.1).

ClinVar aggregate classification (germline): Likely benign (0 of 4 stars; one submission).

Conditions:
DDX41-related disorder. Also called: DDX41-related condition.

Submission:

PreventionGenetics, part of Exact Sciences
Classification: Likely benign for DDX41-related condition. Last evaluated: 2024-03-04. Review status: no assertion criteria provided. Collection method: clinical testing. Allele origin: germline.
Comment: This variant is classified as likely benign based on ACMG/AMP sequence variant interpretation guidelines (Richards et al. 2015 PMID: 25741868, with internal and published modifications).